The following is an entry in ClinVar:

NM_001009944.3(PKD1):c.11766G>A (p.Trp3922Ter)

Gene: PKD1 (polycystin 1, transient receptor potential channel interacting; minus strand). Cytogenetic location: 16p13.3.
Variant type: single nucleotide variant.
Coding change: c.11766G>A on transcript NM_001009944.3 (MANE Select); coding-DNA position 11766, G replaced by A.
Protein change: p.Trp3922Ter; replaces tryptophan 3922 with a stop codon.
Molecular consequence: nonsense.
Genome position (GRCh38, 1-based): chr16:2,091,121, C>T on the plus strand (G>A on the coding strand, the complement: PKD1 is on the minus strand). VCF-style: chr16-2091121-C-T. GRCh37 (hg19) VCF-style: chr16-2141122-C-T.
Other names: p.Trp3922*; c.11763G>A, p.Trp3921Ter (NM_000296.4); c.11763G>A (NM_000296.3); short protein forms W3921*, W3922*.
Identifiers: ClinVar variation 997191 (VCV000997191.4), dbSNP rs2091498706, ClinGen allele CA394330071.

ClinVar aggregate classification (germline): Pathogenic. Review status: criteria provided, multiple submitters, no conflicts (2 of 4 stars). 4 submissions from 4 submitters: Pathogenic (3). 1 of the submissions does not count toward it. Last evaluated 2024-09-09.

Conditions:
Polycystic kidney disease, adult type (PKD1). Also called: POLYCYSTIC KIDNEY DISEASE, ADULT, TYPE I; Polycystic Kidney Disease 1, Autosomal Dominant; Polycystic kidney disease 1; Polycystic kidney disease 1, severe; Polycystic Kidney, Autosomal Dominant; POLYCYSTIC KIDNEY DISEASE 1 WITH OR WITHOUT POLYCYSTIC LIVER DISEASE. Identifiers: MedGen C3149841, MONDO:0008263, OMIM 173900.
Polycystic kidney disease. Also called: Polycystic kidney dysplasia; Kidney, Polycystic. Identifiers: MedGen C0022680, MeSH D007690, MONDO:0020642, HP:0000113.
Inborn genetic diseases. Identifiers: MedGen C0950123, MeSH D030342.

Allele frequency attached by ClinVar (database versions not stated): gnomAD exomes below 0.00001.
gnomAD v4.1: 1 of 1,490,818 alleles (0.000067%); no homozygotes.

Submissions (4):

Ambry Genetics
Classification: Pathogenic for Inborn genetic diseases. Last evaluated: 2024-09-09. Review status: criteria provided, single submitter. Criteria: Ambry Variant Classification Scheme 2023. Collection method: clinical testing. Allele origin: germline.
Comment: The c.11763G>A (p.W3921*) alteration, located in exon 43 (coding exon 43) of the PKD1 gene, consists of a G to A substitution at nucleotide position 11763. This changes the amino acid from a tryptophan (W) to a stop codon at amino acid position 3921. This alteration is expected to result in loss of function by premature protein truncation or nonsense-mediated mRNA decay. This variant was not reported in population-based cohorts in the Genome Aggregation Database (gnomAD). This variant was reported in an individual with features consistent with polycystic kidney disease (Kim, 2019). Based on the available evidence, this alteration is classified as pathogenic.

Mayo Clinic Laboratories, Mayo Clinic
Classification: Pathogenic. Last evaluated: 2023-02-13. Review status: criteria provided, single submitter. Criteria: ACMG Guidelines, 2015. Collection method: clinical testing. Allele origin: germline. Observed: 1 variant allele.
Comment: PM2, PS4_moderate, PVS1

Fulgent Genetics
Classification: Pathogenic for Polycystic kidney disease, adult type. Last evaluated: 2021-09-05. Review status: criteria provided, single submitter. Criteria: ACMG Guidelines, 2015. Collection method: clinical testing. Allele origin: unknown.

Department of Pathology and Laboratory Medicine, Sinai Health System
Classification: Pathogenic for Polycystic Kidney disease. Review status: no assertion criteria provided. Collection method: clinical testing. Allele origin: unknown. Affected: yes. Study: The Canadian Open Genetics Repository (COGR). Not counted in ClinVar's aggregate classification.
Comment: The PKD1 p.Trp3922* variant was identified in 3 of 864 proband chromosomes (frequency: 0.003) from North American and Korean individuals or families with ADPKD (Rossetti 2007, Choi 2014, Hwang 2016). The variant was also identified in ADPKD Mutation Database (classified as definitely pathogenic). The variant was not identified in the dbSNP, ClinVar, LOVD 3.0, or PKD1-LOVD databases. The variant was not identified in the following control databases: the Exome Aggregation Consortium (August 8th 2016) or the Genome Aggregation Database (Feb 27, 2017). The c.11766G>A variant leads to a premature stop codon at position 3922, which is predicted to lead to a truncated or absent protein and loss of function. Loss of function variants of the PKD1 gene are an established mechanism of disease in autosomal dominant polycystic kidney disease and is the type of variant expected to cause the disorder. In summary, based on the above information, this variant meets our laboratoryâ€šÃ„Ã´s criteria to be classified as pathogenic.

Literature cited by the submitters: PubMed 31740684 (cited by Ambry Genetics and Mayo Clinic Laboratories, Mayo Clinic); PubMed 17582161 (cited by Mayo Clinic Laboratories, Mayo Clinic); PubMed 25491204 (cited by Mayo Clinic Laboratories, Mayo Clinic); PubMed 25525159 (cited by Mayo Clinic Laboratories, Mayo Clinic); PubMed 26453610 (cited by Mayo Clinic Laboratories, Mayo Clinic).